The following is an entry in ClinVar:

ClinVar aggregate classification (germline): Pathogenic. Review status: criteria provided, multiple submitters, no conflicts (2 of 4 stars). 9 submissions from 9 submitters: Pathogenic (7). 2 of the submissions do not count toward it. Last evaluated 2026-01-11.

Conditions:
Polyglandular autoimmune syndrome, type 1 (APS1). Also called: Autoimmune polyendocrine syndrome type 1; Autoimmune polyendocrinopathy syndrome , type I, with or without reversible metaphyseal dysplasia; HYPOADRENOCORTICISM WITH HYPOPARATHYROIDISM AND SUPERFICIAL MONILIASIS; PGA I; AUTOIMMUNE POLYENDOCRINE SYNDROME, TYPE I, WITH OR WITHOUT REVERSIBLE METAPHYSEAL DYSPLASIA; APS I. Identifiers: Orphanet 3453, MedGen C0085859, MONDO:0009411, OMIM 240300.
AIRE-related disorder. Also called: AIRE-related condition.

Allele frequency attached by ClinVar (database versions not stated): gnomAD 0.00001; gnomAD exomes 0.00001; TOPMed 0.00002.
gnomAD v4.1: 10 of 1,542,984 alleles (0.00065%); highest among the groups gnomAD compares: Non-Finnish European, 0.00087%; no homozygotes.

Submissions (9):

Labcorp Genetics (formerly Invitae), Labcorp
Classification: Pathogenic for Polyglandular autoimmune syndrome, type 1. Last evaluated: 2026-01-11. Review status: criteria provided, single submitter. Criteria: Invitae Variant Classification Sherloc (09022015). Collection method: clinical testing. Allele origin: germline.
Comment: This sequence change replaces alanine, which is neutral and non-polar, with valine, which is neutral and non-polar, at codon 21 of the AIRE protein (p.Ala21Val). This variant is not present in population databases (gnomAD no frequency). This missense change has been observed in individual(s) with autosomal recessive autoimmune polyendocrinopathy syndrome (PMID: 12050215, 18708298, 21295522, 21508664). In at least one individual the data is consistent with being in trans (on the opposite chromosome) from a pathogenic variant. ClinVar contains an entry for this variant (Variation ID: 68228). Invitae Evidence Modeling of protein sequence and biophysical properties (such as structural, functional, and spatial information, amino acid conservation, physicochemical variation, residue mobility, and thermodynamic stability) indicates that this missense variant is expected to disrupt AIRE protein function with a positive predictive value of 95%. Experimental studies are conflicting or provide insufficient evidence to determine the effect of this variant on AIRE function (PMID: 14974083). For these reasons, this variant has been classified as Pathogenic.

Natera, Inc.
Classification: Pathogenic for Polyglandular autoimmune syndrome type 1. Last evaluated: 2025-11-20. Review status: criteria provided, single submitter. Criteria: Natera Variant Classification Schema (03/2026). Collection method: clinical testing. Allele origin: germline.
Comment: The c.62C>T variant in AIRE is a missense variant predicted to cause substitution of alanine to valine at amino acid 21. This variant is rare in the general population with a frequency below the threshold expected for the associated phenotype(s). This variant has been observed in one or more individuals affected with the associated recessive disease, as either homozygous or compound heterozygous with a second variant (PMID: 21295522). Computational prediction algorithms indicate this variant is likely to affect gene or protein function. Given the available evidence, this variant is classified as Pathogenic.

3billion
Classification: Pathogenic for Polyglandular autoimmune syndrome, type 1. Last evaluated: 2025-07-11. Review status: criteria provided, single submitter. Criteria: ACMG Guidelines, 2015. Collection method: clinical testing. Allele origin: germline. Affected: yes.
Comment: The variant is observed at an extremely low frequency in the gnomAD v4.1.0 dataset (total allele frequency: <0.001%). Predicted Consequence/Location: Missense variant. The majority of the known disease-causing variants of this gene are variants expected to result in premature termination of the protein. In silico tool predictions suggest damaging effect of the variant on gene or gene product [REVEL: 0.87 (>=0.6, sensitivity 0.68 and specificity 0.92)]. The same nucleotide change resulting in the same amino acid change has been previously reported as pathogenic/likely pathogenic with strong evidence (ClinVar ID: VCV000068228 /PMID: 12050215). The variant has been reported to be in trans with a pathogenic variant as either compound heterozygous or homozygous in at least 2 similarly affected unrelated individuals (PMID: 12050215, 21508664, 33247909). Therefore, this variant is classified as Pathogenic according to the recommendation of ACMG/AMP guideline.

Fulgent Genetics
Classification: Pathogenic for Polyglandular autoimmune syndrome, type 1. Last evaluated: 2024-03-29. Review status: criteria provided, single submitter. Criteria: ACMG Guidelines, 2015. Collection method: clinical testing. Allele origin: germline.

Women's Health and Genetics/Laboratory Corporation of America, LabCorp
Classification: Pathogenic for Polyglandular autoimmune syndrome, type 1. Last evaluated: 2024-01-23. Review status: criteria provided, single submitter. Criteria: LabCorp Variant Classification Summary - May 2015. Collection method: clinical testing. Allele origin: germline.
Comment: Variant summary: AIRE c.62C>T (p.Ala21Val) results in a non-conservative amino acid change located in the HSR domain (IPR004865) of the encoded protein sequence. Five of five in-silico tools predict a damaging effect of the variant on protein function. The frequency data for this variant in gnomAD is considered unreliable, as metrics indicate poor data quality at this position. c.62C>T has been reported in the literature in multiple homozygous and compound heterozygous individuals affected with Autoimmune Polyglandular Syndrome Type 1 (example: Capalbo_2021). These data indicate that the variant is very likely to be associated with disease. The following publication has been ascertained in the context of this evaluation (PMID: 33247909). ClinVar contains an entry for this variant (Variation ID: 68228). Based on the evidence outlined above, the variant was classified as pathogenic.

Blueprint Genetics
Classification: Pathogenic for AIRE-related disorders. Last evaluated: 2023-10-06. Review status: criteria provided, single submitter. Criteria: ACMG Guidelines, 2015. Collection method: clinical testing. Allele origin: germline. Affected: yes. Observed: 3 variant alleles.

GeneDx
Classification: Pathogenic. Last evaluated: 2023-06-28. Review status: criteria provided, single submitter. Criteria: GeneDx Variant Classification Process June 2021. Collection method: clinical testing. Allele origin: germline. Affected: yes.
Comment: Not observed at significant frequency in large population cohorts (gnomAD); In silico analysis supports that this missense variant has a deleterious effect on protein structure/function; This variant is associated with the following publications: (PMID: 31589614, 26114819, 21508664, 18708298, 19309509, 14974083, 27420045, 34003463, 24107778, 18682433, 26659599, 12050215, 34991662, 21295522, 25059117)

Counsyl
Classification: Likely pathogenic for Polyglandular autoimmune syndrome, type 1. Last evaluated: 2014-06-14. Review status: no assertion criteria provided. Collection method: literature only. Allele origin: unknown. Inheritance: Autosomal recessive inheritance. Not counted in ClinVar's aggregate classification.

UniProtKB/Swiss-Prot
No classification provided. Review status: no classification provided. Collection method: not provided. Allele origin: not provided. Not counted in ClinVar's aggregate classification.

Literature cited by the submitters: PubMed 12050215 (cited by 3 submitters); PubMed 18708298 (cited by Labcorp Genetics (formerly Invitae), Labcorp and Counsyl); PubMed 21295522 (cited by 3 submitters); PubMed 21508664 (cited by 3 submitters); PubMed 14974083 (cited by Labcorp Genetics (formerly Invitae), Labcorp and Counsyl); PubMed 33247909 (cited by 3billion and Women's Health and Genetics/Laboratory Corporation of America, LabCorp); PubMed 18682433 (cited by Counsyl).

NM_000383.4(AIRE):c.62C>T (p.Ala21Val)

Gene: AIRE (autoimmune regulator; plus strand). Cytogenetic location: 21q22.3.
Variant type: single nucleotide variant.
Coding change: c.62C>T on transcript NM_000383.4 (MANE Select); coding-DNA position 62, C replaced by T.
Protein change: p.Ala21Val; replaces alanine 21 with valine.
Molecular consequence: missense variant.
Genome position (GRCh38, 1-based): chr21:44,286,068, C>T. VCF-style: chr21-44286068-C-T. GRCh37 (hg19) VCF-style: chr21-45705951-C-T.
Other names: c.62C>T (LRG_18t1); short protein forms A21V.
Identifiers: ClinVar variation 68228 (VCV000068228.19), dbSNP rs179363886, ClinGen allele CA199074.